The following is an entry in ClinVar:

ClinVar aggregate classification (germline): Uncertain significance (1 of 4 stars; one submission).

Conditions:
Developmental and epileptic encephalopathy, 7 (DEE7). Also called: Early infantile epileptic encephalopathy 7; KCNQ2-Related Neonatal-Onset Developmental and Epileptic Encephalopathy (NEO-DEE); KCNQ2-Related Neonatal Epileptic Encephalopathy. Identifiers: Orphanet 439218, MedGen C3150986, MONDO:0013387, OMIM 613720.

Submission:

Dr. med. U. Finckh, Human Genetics, Eurofins MVZ
Classification: Uncertain significance for Developmental and epileptic encephalopathy, 7. Review status: criteria provided, single submitter. Criteria: ACMG Guidelines, 2015. Collection method: clinical testing. Allele origin: unknown.

NM_172107.4(KCNQ2):c.91G>T (p.Ala31Ser)

Gene: KCNQ2 (potassium voltage-gated channel subfamily Q member 2; minus strand). Cytogenetic location: 20q13.33.
Variant type: single nucleotide variant.
Coding change: c.91G>T on transcript NM_172107.4 (MANE Select); coding-DNA position 91, G replaced by T.
Protein change: p.Ala31Ser; replaces alanine 31 with serine.
Molecular consequence: missense variant.
Genome position (GRCh38, 1-based): chr20:63,472,373, C>A on the plus strand (G>T on the coding strand, the complement: KCNQ2 is on the minus strand). VCF-style: chr20-63472373-C-A. GRCh37 (hg19) VCF-style: chr20-62103726-C-A.
Other names: c.91G>T, p.Ala31Ser (NM_001382235.1, NM_004518.6, NM_172106.3 and 2 more transcripts); short protein forms A31S.
Identifiers: ClinVar variation 2505563 (VCV002505563.1), dbSNP rs2516746096, ClinGen allele CA409635789.